The following is an entry in ClinVar:

ClinVar aggregate classification (germline): Uncertain significance (1 of 4 stars; one submission).

Submission:

GeneDx
Classification: Uncertain significance. Last evaluated: 2023-11-16. Review status: criteria provided, single submitter. Criteria: GeneDx Variant Classification Process June 2021. Collection method: clinical testing. Allele origin: germline. Affected: yes.
Comment: Not observed at significant frequency in large population cohorts (gnomAD); In silico analysis supports that this missense variant has a deleterious effect on protein structure/function; Has not been previously published as pathogenic or benign to our knowledge

NM_000338.3(SLC12A1):c.770G>A (p.Gly257Asp)

Gene: SLC12A1 (solute carrier family 12 member 1; plus strand). Cytogenetic location: 15q21.1.
Variant type: single nucleotide variant.
Coding change: c.770G>A on transcript NM_000338.3 (MANE Select); coding-DNA position 770, G replaced by A.
Protein change: p.Gly257Asp; replaces glycine 257 with aspartic acid.
Molecular consequence: missense variant.
Genome position (GRCh38, 1-based): chr15:48,229,234, G>A. VCF-style: chr15-48229234-G-A. GRCh37 (hg19) VCF-style: chr15-48521431-G-A.
Other names: c.770G>A, p.Gly257Asp (NM_001184832.2, NM_001384136.1); short protein forms G257D.
Identifiers: ClinVar variation 3364359 (VCV003364359.1).